The following is an entry in ClinVar:

NM_182920.2(ADAMTS9):c.1865A>T (p.Asn622Ile)

Gene: ADAMTS9 (ADAM metallopeptidase with thrombospondin type 1 motif 9; minus strand). Cytogenetic location: 3p14.1.
Variant type: single nucleotide variant.
Coding change: c.1865A>T on transcript NM_182920.2 (MANE Select); coding-DNA position 1865, A replaced by T.
Protein change: p.Asn622Ile; replaces asparagine 622 with isoleucine.
Molecular consequence: missense variant.
Genome position (GRCh38, 1-based): chr3:64,633,871, T>A on the plus strand (A>T on the coding strand, the complement: ADAMTS9 is on the minus strand). VCF-style: chr3-64633871-T-A. GRCh37 (hg19) VCF-style: chr3-64619547-T-A.
Other names: c.1781A>T, p.Asn594Ile (NM_001318781.2); c.1865A>T (NM_182920.1); short protein forms N594I, N622I.
Identifiers: ClinVar variation 1927794 (VCV001927794.6), dbSNP rs752350922, ClinGen allele CA2481371.
Genomic context (GRCh38, chr3:64,633,871, plus strand): 5'-CATGGCTCCGTGTTGCAGGACTTAAATTTCATTCTACGTCCTACACAGTATTTTCCACCA[T>A]TTTTTGGTCTGAAAAAGAAAAAATGTGAAGAGCACACACACTGTATTATCATGTATTCCT-3'
Protein context (NP_891550.1, residues 612-632): IRECNRPEPK[Asn622Ile]GGKYCVGRRM

ClinVar aggregate classification (germline): Uncertain significance. Review status: criteria provided, multiple submitters, no conflicts (2 of 4 stars). 2 submissions from 2 submitters: Uncertain significance (2). Last evaluated 2024-10-17.

Allele frequency attached by ClinVar (database versions not stated): gnomAD 0.00001.
gnomAD v4.1: 5 of 1,611,346 alleles (0.00031%); highest among the groups gnomAD compares: East Asian, 0.0089%; no homozygotes.

Submissions (2):

Labcorp Genetics (formerly Invitae), Labcorp
Classification: Uncertain significance. Last evaluated: 2024-10-17. Review status: criteria provided, single submitter. Criteria: Invitae Variant Classification Sherloc (09022015). Collection method: clinical testing. Allele origin: germline.
Comment: This sequence change replaces asparagine, which is neutral and polar, with isoleucine, which is neutral and non-polar, at codon 622 of the ADAMTS9 protein (p.Asn622Ile). This variant is present in population databases (rs752350922, gnomAD 0.05%). This variant has not been reported in the literature in individuals affected with ADAMTS9-related conditions. ClinVar contains an entry for this variant (Variation ID: 1927794). An algorithm developed to predict the effect of missense changes on protein structure and function (PolyPhen-2) suggests that this variant is likely to be disruptive. In summary, the available evidence is currently insufficient to determine the role of this variant in disease. Therefore, it has been classified as a Variant of Uncertain Significance.

Ambry Genetics
Classification: Uncertain significance. Last evaluated: 2024-09-02. Review status: criteria provided, single submitter. Criteria: Ambry Variant Classification Scheme 2023. Collection method: clinical testing. Allele origin: germline.